The following is an entry in ClinVar:

NM_004612.4(TGFBR1):c.980C>T (p.Pro327Leu)

Gene: TGFBR1 (transforming growth factor beta receptor 1; plus strand). Cytogenetic location: 9q22.33.
Variant type: single nucleotide variant.
Coding change: c.980C>T on transcript NM_004612.4 (MANE Select); coding-DNA position 980, C replaced by T.
Protein change: p.Pro327Leu; replaces proline 327 with leucine.
Molecular consequence: missense variant.
Genome position (GRCh38, 1-based): chr9:99,144,738, C>T. VCF-style: chr9-99144738-C-T. GRCh37 (hg19) VCF-style: chr9-101907020-C-T.
Other names: c.773C>T, p.Pro258Leu (NM_001407434.1, NM_001407423.1, NM_001407424.1 and 8 more transcripts); c.749C>T, p.Pro250Leu (NM_001407435.1, NM_001130916.3); c.734C>T, p.Pro245Leu (NM_001407436.1); c.272C>T, p.Pro91Leu (NM_001407437.1); c.503C>T, p.Pro168Leu (NM_001407438.1); c.992C>T, p.Pro331Leu (NM_001306210.2); c.824C>T, p.Pro275Leu (NM_001407416.1); c.812C>T, p.Pro271Leu (NM_001407417.1); and 1 more; short protein forms P245L, P271L, P250L, P275L, P327L, P258L, P91L, P168L.
Identifiers: ClinVar variation 1768280 (VCV001768280.23), dbSNP rs2490236024, ClinGen allele CA374231208.
Genomic context (GRCh38, chr9:99,144,738, plus strand): 5'-AGTTGTGATTGGTATTACCTTTTAAGCAGTCATGTTTAATTTTTGATTCTTTAGGAAAGC[C>T]AGCCATTGCTCATAGAGATTTGAAATCAAAGAATATCTTGGTAAAGAAGAATGGAACTTG-3'
Protein context (NP_004603.1, residues 317-337): HMEIVGTQGK[Pro327Leu]AIAHRDLKSK

ClinVar aggregate classification (germline): Conflicting classifications of pathogenicity. Review status: criteria provided, conflicting classifications (1 of 4 stars). 2 submissions from 2 submitters: Likely pathogenic (1); Uncertain significance (1). Last evaluated 2024-11-22.

Conditions:
Familial thoracic aortic aneurysm and aortic dissection (TAAD). Also called: Thoracic aortic aneurysms and dissections. Identifiers: Orphanet 91387, MedGen C4707243, MONDO:0019625.

Submissions (2):

Ambry Genetics
Classification: Likely pathogenic for Familial thoracic aortic aneurysm and aortic dissection. Last evaluated: 2024-11-22. Review status: criteria provided, single submitter. Criteria: Ambry Variant Classification Scheme 2023. Collection method: clinical testing. Allele origin: germline.
Comment: The p.P327L variant (also known as c.980C>T), located in coding exon 6 of the TGFBR1 gene, results from a C to T substitution at nucleotide position 980. The proline at codon 327 is replaced by leucine, an amino acid with similar properties. This alteration has been observed in at least one or more individuals with features consistent with TGFBR1-related disease and segregated with disease in at least one family (Ambry internal data). Based on internal structural analysis, this variant is destabilizing to the local structure (Ambry internal data). This variant is considered to be rare based on population cohorts in the Genome Aggregation Database (gnomAD). This amino acid position is highly conserved in available vertebrate species. In addition, this alteration is predicted to be deleterious by in silico analysis. Based on the majority of available evidence to date, this variant is likely to be pathogenic. This variant was identified in one or more individuals with features consistent with [disease name from the gene table / XXX-associated disease] (citation) and segregated with disease in at least one family

CeGaT Center for Human Genetics Tuebingen
Classification: Uncertain significance. Last evaluated: 2024-04-01. Review status: criteria provided, single submitter. Criteria: CeGaT Center For Human Genetics Tuebingen Variant Classification Criteria Version 2. Collection method: clinical testing. Allele origin: germline. Affected: yes. Observed: 2 variant alleles.
Comment: TGFBR1: PM2, PP3, PS4:Supporting